The following is an entry in ClinVar:

ClinVar aggregate classification (germline): Likely benign (1 of 4 stars; one submission).

Conditions:
EP300-related disorder. Also called: EP300-related disorders; EP300-related condition.

gnomAD v4.1: 2 of 1,613,640 alleles (0.00012%); highest among the groups gnomAD compares: African/African-American, 0.0027%; no homozygotes.

Submission:

PreventionGenetics, part of Exact Sciences
Classification: Likely benign for EP300-related condition. Last evaluated: 2025-09-18. Review status: criteria provided, single submitter. Criteria: ACMG Guidelines, 2015. Collection method: clinical testing. Allele origin: germline.
Comment: This variant is classified as likely benign based on ACMG/AMP sequence variant interpretation guidelines (Richards et al. 2015 PMID: 25741868, with internal and published modifications).

NM_001429.4(EP300):c.2340C>T (p.Ile780=)

Gene: EP300 (EP300 lysine acetyltransferase; plus strand). Cytogenetic location: 22q13.2.
Variant type: single nucleotide variant.
Coding change: c.2340C>T on transcript NM_001429.4 (MANE Select); coding-DNA position 2340, C replaced by T.
Protein change: p.Ile780=; no amino-acid change (isoleucine 780 retained).
Molecular consequence: synonymous variant.
Genome position (GRCh38, 1-based): chr22:41,149,136, C>T. VCF-style: chr22-41149136-C-T. GRCh37 (hg19) VCF-style: chr22-41545140-C-T.
Other names: c.2262C>T, p.Ile754= (NM_001362843.2).
Identifiers: ClinVar variation 4977872 (VCV004977872.1).
Genomic context (GRCh38, chr22:41,149,136, plus strand): 5'-CCAGGGCCAGTTCCTTCCTCAGACTCAGTTCCCATCACAGGGAATGAATGTAACAAATAT[C>T]CCTTTGGCTCCGTCCAGCGGTCAAGCTCCAGTGTCTCAAGTATGTCTCATAAGTGGATTT-3'
Protein context (NP_001420.2, residues 770-790): FPSQGMNVTN[Ile780=]PLAPSSGQAP